The following is an entry in ClinVar:

NM_198904.4(GABRG2):c.1127C>T (p.Pro376Leu)

Gene: GABRG2 (gamma-aminobutyric acid type A receptor subunit gamma2; plus strand). Cytogenetic location: 5q34.
Variant type: single nucleotide variant.
Coding change: c.1127C>T on transcript NM_198904.4 (MANE Select); coding-DNA position 1127, C replaced by T.
Protein change: p.Pro376Leu; replaces proline 376 with leucine.
Molecular consequence: missense variant. On other transcripts: intron variant (1).
Genome position (GRCh38, 1-based): chr5:162,149,312, C>T. VCF-style: chr5-162149312-C-T. GRCh37 (hg19) VCF-style: chr5-161576318-C-T.
Other names: c.1127C>T, p.Pro376Leu (NM_000816.3); c.1118C>T, p.Pro373Leu (NM_001375339.1); c.1124C>T, p.Pro375Leu (NM_001375341.1, NM_001375342.1); c.1247C>T, p.Pro416Leu (NM_001375343.1, NM_198903.2); c.1166C>T, p.Pro389Leu (NM_001375344.1); c.1061C>T, p.Pro354Leu (NM_001375345.1, NM_001375346.1); c.1040C>T, p.Pro347Leu (NM_001375347.1); c.707C>T, p.Pro236Leu (NM_001375348.1, NM_001375350.1); and 2 more; short protein forms P281L, P347L, P373L, P389L, P236L, P375L, P354L, P376L.
Identifiers: ClinVar variation 2929707 (VCV002929707.5), dbSNP rs1333582494, ClinGen allele CA362182749.

ClinVar aggregate classification (germline): Uncertain significance. Review status: criteria provided, multiple submitters, no conflicts (2 of 4 stars). 3 submissions from 3 submitters: Uncertain significance (3). Last evaluated 2026-03-10.

Conditions:
Inborn genetic diseases. Identifiers: MedGen C0950123, MeSH D030342.
EPILEPSY, CHILDHOOD ABSENCE, SUSCEPTIBILITY TO, 2 (ECA2). Identifiers: Orphanet 64280, MedGen C1843244, OMIM 607681.
Febrile seizures, familial, 8 (FEB8). Also called: CONVULSIONS, FAMILIAL FEBRILE, 8. Identifiers: Orphanet 36387, MedGen C1969810, MONDO:0011891, OMIM 607681.

Allele frequency attached by ClinVar (database versions not stated): gnomAD exomes below 0.00001.
gnomAD v4.1: 7 of 1,613,878 alleles (0.00043%); highest among the groups gnomAD compares: Non-Finnish European, 0.00051%; no homozygotes.

Submissions (3):

Ambry Genetics
Classification: Uncertain significance for Inborn genetic diseases. Last evaluated: 2026-03-10. Review status: criteria provided, single submitter. Criteria: Ambry Variant Classification Scheme 2023. Collection method: clinical testing. Allele origin: germline.
Comment: The c.1127C>T (p.P376L) alteration is located in exon 8 (coding exon 8) of the GABRG2 gene. This alteration results from a C to T substitution at nucleotide position 1127, causing the proline (P) at amino acid position 376 to be replaced by a leucine (L). Based on data from gnomAD, the T allele has an overall frequency of <0.001% (1/251002) total alleles studied. The highest observed frequency was 0.001% (1/113474) of European (non-Finnish) alleles. Based on insufficient or conflicting evidence, the clinical significance of this alteration remains unclear.

Blueprint Genetics
Classification: Uncertain significance. Last evaluated: 2024-10-02. Review status: criteria provided, single submitter. Criteria: ACMG Guidelines, 2015. Collection method: clinical testing. Allele origin: germline.

Labcorp Genetics (formerly Invitae), Labcorp
Classification: Uncertain significance for Febrile seizures, familial, 8; EPILEPSY, CHILDHOOD ABSENCE, SUSCEPTIBILITY TO, 2. Last evaluated: 2023-01-12. Review status: criteria provided, single submitter. Criteria: Invitae Variant Classification Sherloc (09022015). Collection method: clinical testing. Allele origin: germline.
Comment: In summary, the available evidence is currently insufficient to determine the role of this variant in disease. Therefore, it has been classified as a Variant of Uncertain Significance. Algorithms developed to predict the effect of missense changes on protein structure and function (SIFT, PolyPhen-2, Align-GVGD) all suggest that this variant is likely to be tolerated. This variant has not been reported in the literature in individuals affected with GABRG2-related conditions. This variant is present in population databases (no rsID available, gnomAD 0.0009%). This sequence change replaces proline, which is neutral and non-polar, with leucine, which is neutral and non-polar, at codon 376 of the GABRG2 protein (p.Pro376Leu).